The following is an entry in ClinVar:

NM_145649.5(GCNT2):c.142G>A (p.Ala48Thr)

Gene: GCNT2 (glucosaminyl (N-acetyl) transferase 2 (I blood group); plus strand). Cytogenetic location: 6p24.3.
Variant type: single nucleotide variant.
Coding change: c.142G>A on transcript NM_145649.5 (MANE Select); coding-DNA position 142, G replaced by A.
Protein change: p.Ala48Thr; replaces alanine 48 with threonine.
Molecular consequence: missense variant.
Genome position (GRCh38, 1-based): chr6:10,529,053, G>A. VCF-style: chr6-10529053-G-A. GRCh37 (hg19) VCF-style: chr6-10529286-G-A.
Other names: c.142G>A, p.Ala48Thr (NM_001374747.1); short protein forms A48T.
Identifiers: ClinVar variation 3349499 (VCV003349499.1).
Genomic context (GRCh38, chr6:10,529,053, plus strand): 5'-TTATGGGAGAATAAACGTTTTCTGAGGGCAGCTCTGTCCAATGCTTCACTGTTAGCAGAA[G>A]CCTGTCATCAGATTTTTGAGGGGAAAGTTTTTTACCCAACAGAAAATGCATTGAAAACTA-3'
Protein context (NP_663624.1, residues 38-58): ALSNASLLAE[Ala48Thr]CHQIFEGKVF

ClinVar aggregate classification (germline): Uncertain significance (0 of 4 stars; one submission).

Conditions:
GCNT2-related disorder. Also called: GCNT2-related condition.

gnomAD v4.1: 72 of 1,614,146 alleles (0.0045%); highest among the groups gnomAD compares: East Asian, 0.16%; no homozygotes.

Submission:

PreventionGenetics, part of Exact Sciences
Classification: Uncertain significance for GCNT2-related condition. Last evaluated: 2024-03-28. Review status: no assertion criteria provided. Collection method: clinical testing. Allele origin: germline.
Comment: The GCNT2 c.142G>A variant is predicted to result in the amino acid substitution p.Ala48Thr. In an alternate transcript with expression limited to the lens of the eye (NM_001491.2), this variant is found within a non-coding region (c.-27371G>A). To our knowledge, this variant has not been reported in the literature. This variant is reported in 0.12% of alleles in individuals of East Asian descent in gnomAD, which is likely too common to be a disease-causing variant. Although we suspect that this variant may be benign, at this time, the clinical significance of this variant is uncertain due to the absence of conclusive functional and genetic evidence.